The following is an entry in ClinVar:

NM_024306.5(FA2H):c.620C>T (p.Thr207Met)

Gene: FA2H (fatty acid 2-hydroxylase; minus strand). Cytogenetic location: 16q23.1.
Variant type: single nucleotide variant.
Coding change: c.620C>T on transcript NM_024306.5 (MANE Select); coding-DNA position 620, C replaced by T.
Protein change: p.Thr207Met; replaces threonine 207 with methionine.
Molecular consequence: missense variant.
Genome position (GRCh38, 1-based): chr16:74,719,154, G>A on the plus strand (C>T on the coding strand, the complement: FA2H is on the minus strand). VCF-style: chr16-74719154-G-A. GRCh37 (hg19) VCF-style: chr16-74753052-G-A.
Other names: c.620C>T (NM_024306.4); short protein forms T207M.
Identifiers: ClinVar variation 930104 (VCV000930104.18), dbSNP rs372445274, ClinGen allele CA8170450.

ClinVar aggregate classification (germline): Pathogenic/Likely pathogenic. Review status: criteria provided, multiple submitters, no conflicts (2 of 4 stars). 7 submissions from 7 submitters: Pathogenic (1); Likely pathogenic (5). 1 of the submissions does not count toward it. Last evaluated 2025-01-21.

Conditions:
Hereditary spastic paraplegia. Also called: Familial spastic paraparesis. Identifiers: Orphanet 685, MedGen C0037773, MONDO:0019064. Disease mechanism: loss of function.
FA2H-related disorder. Also called: FA2H-related condition.
Spastic paraplegia. Identifiers: MedGen C0037772, HP:0001258.
Hereditary spastic paraplegia 35. Also called: LEUKODYSTROPHY, DYSMYELINATING, AND SPASTIC PARAPARESIS WITH OR WITHOUT DYSTONIA; Spastic paraplegia 35, autosomal recessive; Spastic paraplegia 35; SPASTIC PARAPLEGIA 35, AUTOSOMAL RECESSIVE, WITH OR WITHOUT NEURODEGENERATION. Identifiers: Orphanet 171629, MedGen C3496228, MONDO:0012866, OMIM 612319.

Allele frequency attached by ClinVar (database versions not stated): TOPMed 0.00006; ESP Exome Variant Server 0.00008; ExAC 0.00002; gnomAD exomes 0.00002; gnomAD 0.00004.
gnomAD v4.1: 83 of 1,612,800 alleles (0.0051%); highest among the groups gnomAD compares: Non-Finnish European, 0.0064%; no homozygotes.

Submissions (7):

Labcorp Genetics (formerly Invitae), Labcorp
Classification: Pathogenic for Spastic paraplegia. Last evaluated: 2025-01-21. Review status: criteria provided, single submitter. Criteria: Invitae Variant Classification Sherloc (09022015). Collection method: clinical testing. Allele origin: germline.
Comment: This sequence change replaces threonine, which is neutral and polar, with methionine, which is neutral and non-polar, at codon 207 of the FA2H protein (p.Thr207Met). The frequency data for this variant in the population databases is considered unreliable, as metrics indicate poor data quality at this position in the gnomAD database. This missense change has been observed in individuals with hereditary spastic paraplegia (PMID: 24833714, 27217339, 28017243, 31135052). It has also been observed to segregate with disease in related individuals. ClinVar contains an entry for this variant (Variation ID: 930104). Invitae Evidence Modeling of protein sequence and biophysical properties (such as structural, functional, and spatial information, amino acid conservation, physicochemical variation, residue mobility, and thermodynamic stability) has been performed for this missense variant. However, the output from this modeling did not meet the statistical confidence thresholds required to predict the impact of this variant on FA2H protein function. For these reasons, this variant has been classified as Pathogenic.

Blueprint Genetics
Classification: Likely pathogenic for FA2H-related disorders. Last evaluated: 2024-02-22. Review status: criteria provided, single submitter. Criteria: ACMG Guidelines, 2015. Collection method: clinical testing. Allele origin: germline. Affected: yes. Observed: 4 variant alleles.

Fulgent Genetics
Classification: Likely pathogenic for Hereditary spastic paraplegia 35. Last evaluated: 2024-01-24. Review status: criteria provided, single submitter. Criteria: ACMG Guidelines, 2015. Collection method: clinical testing. Allele origin: germline.

Women's Health and Genetics/Laboratory Corporation of America, LabCorp
Classification: Likely pathogenic for Hereditary spastic paraplegia 35. Last evaluated: 2023-03-02. Review status: criteria provided, single submitter. Criteria: LabCorp Variant Classification Summary - May 2015. Collection method: clinical testing. Allele origin: germline.
Comment: Variant summary: FA2H c.620C>T (p.Thr207Met) results in a non-conservative amino acid change in the encoded protein sequence. Three of five in-silico tools predict a benign effect of the variant on protein function. The variant allele was found at a frequency of 1.6e-05 in 249728 control chromosomes. c.620C>T has been reported in the literature in multiple individuals affected with Hereditary Spastic Paraplegia 35, however in some cases the patient's second variant was unknown significance (HSP/SPG35) (Pensato_2014, Kara_2016, Magariello_2017, Chen_FA2H_BMCN_2022, etc.). The variant was reported to segregate in at least 2 individuals from 2 families (Magariello_2017, Pensato_2014). These data indicate that the variant is very likely to be associated with disease. To our knowledge, no experimental evidence demonstrating an impact on protein function has been reported. Two ClinVar submitters have submitted clinical-significance assessments for this variant to ClinVar after 2014. All laboratories classified the variant as pathogenic (n=1) or likely pathogenic (n=1). Based on the evidence outlined above, the variant was classified as likely pathogenic.

Laboratory for Molecular Medicine, Mass General Brigham Personalized Medicine
Classification: Likely pathogenic for Hereditary spastic paraplegia. Last evaluated: 2019-12-04. Review status: criteria provided, single submitter. Criteria: LMM Criteria. Collection method: clinical testing. Allele origin: germline. Inheritance: Autosomal recessive inheritance. Observed: 1 variant allele.
Comment: The p.Thr207Met variant in FA2H has been reported in the compound heterozygous state in 4 individuals with spastic paraplegia and segregated with disease in 2 affected individuals from 2 families (Pensato 2014, Kara 2016, Magariello 2017, Rattay 2019). It has also been identified in 0.002% (4/249728) of pan ethnic chromosomes by gnomAD. Computational prediction tools and conservation analysis suggest that this variant may not impact the protein. In summary, although additional studies are required to fully establish its clinical significance, this variant meets criteria to be classified as likely pathogenic for autosomal recessive spastic paraplegia. ACMG/AMP Criteria applied: PM3_Moderate, PM2, PP1_Moderate, BP4.

Juno Genomics, Hangzhou Juno Genomics, Inc
Classification: Likely pathogenic for Hereditary spastic paraplegia 35. Review status: criteria provided, single submitter. Criteria: ACMG Guidelines, 2015. Collection method: clinical testing. Allele origin: germline.
Comment: Absent from controls (or at extremely low frequency if recessive) in Genome Aggregation Database.;For recessive disorders, detected in trans with a pathogenic variant.;Co-segregation with disease in multiple affected family members.;Patient's phenotype or family history is highly specific for a disease with a single genetic etiology.

Genomics England Pilot Project, Genomics England
Classification: Likely pathogenic for Hereditary spastic paraplegia 35. Review status: no assertion criteria provided. Criteria: ACGS Guidelines, 2016. Collection method: clinical testing. Allele origin: germline. Affected: yes. Not counted in ClinVar's aggregate classification.

Literature cited by the submitters: PubMed 24833714 (cited by 3 submitters); PubMed 27217339 (cited by 3 submitters); PubMed 28017243 (cited by 3 submitters); PubMed 31135052 (cited by Labcorp Genetics (formerly Invitae), Labcorp and Laboratory for Molecular Medicine, Mass General Brigham Personalized Medicine); PubMed 30713878 (cited by Women's Health and Genetics/Laboratory Corporation of America, LabCorp); PubMed 35578252 (cited by Women's Health and Genetics/Laboratory Corporation of America, LabCorp).